The following is an entry in ClinVar:

NM_001009944.3(PKD1):c.12709_12716del (p.Tyr4237fs)

Gene: PKD1 (polycystin 1, transient receptor potential channel interacting; minus strand). Cytogenetic location: 16p13.3.
Variant type: Deletion.
Coding change: c.12709_12716del on transcript NM_001009944.3 (MANE Select); coding-DNA positions 12709 to 12716, 8 bases deleted (TACCAGCT; older notation c.12709_12716delTACCAGCT).
Protein change: p.Tyr4237fs; shifts the reading frame from tyrosine 4237.
Molecular consequence: frameshift variant.
Genome position (GRCh38, 1-based): chr16:2,089,923-2,089,930, AGCTGGTA deleted on the plus strand (TACCAGCT on the coding strand, the reverse complement: PKD1 is on the minus strand). VCF-style (leftmost placement, unchanged base first): chr16-2089922-CAGCTGGTA-C. GRCh37 (hg19) VCF-style: chr16-2139923-CAGCTGGTA-C.
Other names: c.12706_12713del, p.Tyr4236fs (NM_000296.4); short protein forms Y4236fs, Y4237fs.
Identifiers: ClinVar variation 4849221 (VCV004849221.1).

ClinVar aggregate classification (germline): Pathogenic (1 of 4 stars; one submission).

Conditions:
Polycystic kidney disease, adult type (PKD1). Also called: Polycystic Kidney Disease 1, Autosomal Dominant; Polycystic kidney disease 1; Polycystic kidney disease 1, severe; POLYCYSTIC KIDNEY DISEASE 1 WITH OR WITHOUT POLYCYSTIC LIVER DISEASE; Polycystic Kidney, Autosomal Dominant; POLYCYSTIC KIDNEY DISEASE, ADULT, TYPE I. Identifiers: MedGen C3149841, MONDO:0008263, OMIM 173900.

Submission:

MVZ Medizinische Genetik Mainz
Classification: Pathogenic for Polycystic kidney disease, adult type. Last evaluated: 2026-03-25. Review status: criteria provided, single submitter. Criteria: UK Practice Guidelines For Variant Classification V4 01 2020. Collection method: clinical testing. Allele origin: germline. Inheritance: Autosomal dominant inheritance. Affected: yes. Observed: 1 variant allele.
Comment: ACMG Criteria: PVS1,PM2_SUP,PP4